The following is an entry in ClinVar:

NM_005228.5(EGFR):c.620G>T (p.Cys207Phe)

Gene: EGFR (epidermal growth factor receptor; plus strand). Cytogenetic location: 7p11.2.
Variant type: single nucleotide variant.
Coding change: c.620G>T on transcript NM_005228.5 (MANE Select); coding-DNA position 620, G replaced by T.
Protein change: p.Cys207Phe; replaces cysteine 207 with phenylalanine.
Molecular consequence: missense variant. On other transcripts: intron variant (1).
Genome position (GRCh38, 1-based): chr7:55,151,354, G>T. VCF-style: chr7-55151354-G-T. GRCh37 (hg19) VCF-style: chr7-55219047-G-T.
Other names: c.485G>T, p.Cys162Phe (NM_001346897.2, NM_001346899.2); c.620G>T, p.Cys207Phe (NM_001346898.2, NM_201282.2, NM_201283.2 and 1 more transcripts); c.461G>T, p.Cys154Phe (NM_001346900.2); c.89-4476G>T (NM_001346941.2); short protein forms C207F, C162F, C154F.
Identifiers: ClinVar variation 3730720 (VCV003730720.2).

ClinVar aggregate classification (germline): Uncertain significance (1 of 4 stars; one submission).

Conditions:
EGFR-related lung cancer (EGFR). Identifiers: MedGen CN130014.

Submission:

Labcorp Genetics (formerly Invitae), Labcorp
Classification: Uncertain significance for EGFR-related lung cancer. Last evaluated: 2024-11-19. Review status: criteria provided, single submitter. Criteria: Invitae Variant Classification Sherloc (09022015). Collection method: clinical testing. Allele origin: germline.
Comment: This sequence change replaces cysteine, which is neutral and slightly polar, with phenylalanine, which is neutral and non-polar, at codon 207 of the EGFR protein (p.Cys207Phe). This variant is not present in population databases (gnomAD no frequency). This variant has not been reported in the literature in individuals affected with EGFR-related conditions. Invitae Evidence Modeling of protein sequence and biophysical properties (such as structural, functional, and spatial information, amino acid conservation, physicochemical variation, residue mobility, and thermodynamic stability) indicates that this missense variant is expected to disrupt EGFR protein function with a positive predictive value of 80%. In summary, the available evidence is currently insufficient to determine the role of this variant in disease. Therefore, it has been classified as a Variant of Uncertain Significance.